The following is an entry in ClinVar:

ClinVar aggregate classification (germline): Uncertain significance. Review status: criteria provided, multiple submitters, no conflicts (2 of 4 stars). 3 submissions from 3 submitters: Uncertain significance (3). Last evaluated 2022-09-30.

Conditions:
Neurofibromatosis, type 1 (NF1). Also called: VON RECKLINGHAUSEN DISEASE; NEUROFIBROMATOSIS, TYPE I, SOMATIC; Peripheral type neurofibromatosis; Neurofibromatosis, type I. Identifiers: Orphanet 636, MedGen C0027831, MONDO:0018975, OMIM 162200. Disease mechanism: loss of function.
Cardiovascular phenotype. Identifiers: MedGen CN230736.
Hereditary cancer-predisposing syndrome. Also called: Neoplastic Syndromes, Hereditary; Tumor predisposition; Hereditary neoplastic syndrome; Hereditary Cancer Syndrome. Identifiers: Orphanet 140162, MedGen C0027672, MeSH D009386, MONDO:0015356.

Submissions (3):

Ambry Genetics
Classification: Uncertain significance for Cardiovascular phenotype; Hereditary cancer-predisposing syndrome. Last evaluated: 2022-09-30. Review status: criteria provided, single submitter. Criteria: Ambry Variant Classification Scheme 2023. Collection method: clinical testing. Allele origin: germline.
Comment: The p.P1222A variant (also known as c.3664C>G), located in coding exon 27 of the NF1 gene, results from a C to G substitution at nucleotide position 3664. The proline at codon 1222 is replaced by alanine, an amino acid with highly similar properties. This amino acid position is highly conserved in available vertebrate species. In addition, this alteration is predicted to be deleterious by in silico analysis. Since supporting evidence is limited at this time, the clinical significance of this alteration remains unclear.

Genome-Nilou Lab
Classification: Uncertain significance for Neurofibromatosis, type 1. Last evaluated: 2022-03-15. Review status: criteria provided, single submitter. Criteria: ACMG Guidelines, 2015. Collection method: clinical testing. Allele origin: germline. Affected: no.

Labcorp Genetics (formerly Invitae), Labcorp
Classification: Uncertain significance for Neurofibromatosis, type 1. Last evaluated: 2017-12-12. Review status: criteria provided, single submitter. Criteria: Invitae Variant Classification Sherloc (09022015). Collection method: clinical testing. Allele origin: germline.
Comment: In summary, the available evidence is currently insufficient to determine the role of this variant in disease. Therefore, it has been classified as a Variant of Uncertain Significance. Algorithms developed to predict the effect of missense changes on protein structure and function do not agree on the potential impact of this missense change (SIFT: "Tolerated"; PolyPhen-2: "Probably Damaging"; Align-GVGD: "Class C0"). This variant has not been reported in the literature in individuals with NF1-related disease. This variant is not present in population databases (ExAC no frequency). This sequence change replaces proline with alanine at codon 1222 of the NF1 protein (p.Pro1222Ala). The proline residue is moderately conserved and there is a small physicochemical difference between proline and alanine.

NM_001042492.3(NF1):c.3664C>G (p.Pro1222Ala)

Gene: NF1 (neurofibromin 1; plus strand). Cytogenetic location: 17q11.2.
Variant type: single nucleotide variant.
Coding change: c.3664C>G on transcript NM_001042492.3 (MANE Select); coding-DNA position 3664, C replaced by G.
Protein change: p.Pro1222Ala; replaces proline 1222 with alanine.
Molecular consequence: missense variant.
Genome position (GRCh38, 1-based): chr17:31,233,169, C>G. VCF-style: chr17-31233169-C-G. GRCh37 (hg19) VCF-style: chr17-29560187-C-G.
Other names: c.3664C>G, p.Pro1222Ala (NM_000267.4); short protein forms P1222A.
Identifiers: ClinVar variation 527536 (VCV000527536.11), dbSNP rs1555615088, ClinGen allele CA398990536.